The following is an entry in ClinVar:

NM_152703.5(SAMD9L):c.1372G>T (p.Ala458Ser)

Gene: SAMD9L (sterile alpha motif domain containing 9 like; minus strand). Cytogenetic location: 7q21.2.
Variant type: single nucleotide variant.
Coding change: c.1372G>T on transcript NM_152703.5 (MANE Select); coding-DNA position 1372, G replaced by T.
Protein change: p.Ala458Ser; replaces alanine 458 with serine.
Molecular consequence: missense variant.
Genome position (GRCh38, 1-based): chr7:93,134,600, C>A on the plus strand (G>T on the coding strand, the complement: SAMD9L is on the minus strand). VCF-style: chr7-93134600-C-A. GRCh37 (hg19) VCF-style: chr7-92763913-C-A.
Other names: c.1372G>T, p.Ala458Ser (NM_001303496.3, NM_001303497.3, NM_001303498.3 and 5 more transcripts); short protein forms A458S.
Identifiers: ClinVar variation 1601362 (VCV001601362.12), dbSNP rs140536419, ClinGen allele CA4343736.

ClinVar aggregate classification (germline): Benign/Likely benign. Review status: criteria provided, multiple submitters, no conflicts (2 of 4 stars). 4 submissions from 4 submitters: Benign (1); Likely benign (3). Last evaluated 2025-12-23.

Allele frequency attached by ClinVar (database versions not stated): gnomAD exomes 0.00011 and 0.00036; ExAC 0.00038; 1000 Genomes Project 0.00080; 1000 Genomes Project 30x 0.00094; gnomAD 0.00131 and 0.00119; TOPMed 0.00134; ESP Exome Variant Server 0.00123.

Submissions (4):

Labcorp Genetics (formerly Invitae), Labcorp
Classification: Benign. Last evaluated: 2025-12-23. Review status: criteria provided, single submitter. Criteria: Invitae Variant Classification Sherloc (09022015). Collection method: clinical testing. Allele origin: germline.

Blueprint Genetics
Classification: Likely benign. Last evaluated: 2024-10-11. Review status: criteria provided, single submitter. Criteria: ACMG Guidelines, 2015. Collection method: clinical testing. Allele origin: germline.

ARUP Laboratories, Molecular Genetics and Genomics, ARUP Laboratories
Classification: Likely benign. Last evaluated: 2024-01-05. Review status: criteria provided, single submitter. Criteria: ARUP Molecular Germline Variant Investigation Process 2024. Collection method: clinical testing. Allele origin: germline.

Laboratorio de Genetica e Diagnostico Molecular, Hospital Israelita Albert Einstein
Classification: Likely benign. Last evaluated: 2020-02-19. Review status: criteria provided, single submitter. Criteria: ACMG Guidelines, 2015. Collection method: clinical testing. Allele origin: germline. Affected: yes.
Comment: ACMG classification criteria: BS1, BP4